The following is an entry in ClinVar:

ClinVar aggregate classification (germline): Conflicting classifications of pathogenicity. Review status: criteria provided, conflicting classifications (1 of 4 stars). 2 submissions from 2 submitters: Uncertain significance (1); Likely benign (1). Last evaluated 2024-11-21.

Conditions:
Early-infantile DEE. Also called: Ohtahara syndrome; Early infantile epileptic encephalopathy; Early infantile epileptic encephalopathy with suppression bursts. Identifiers: Orphanet 1934, MedGen C0393706, MONDO:0800491.

Allele frequency attached by ClinVar (database versions not stated): TOPMed 0.00001; gnomAD exomes below 0.00001.
gnomAD v4.1: 3 of 1,614,036 alleles (0.00019%); highest among the groups gnomAD compares: Non-Finnish European, 0.00017%; no homozygotes.

Submissions (2):

Labcorp Genetics (formerly Invitae), Labcorp
Classification: Uncertain significance for Early-infantile DEE. Last evaluated: 2024-11-21. Review status: criteria provided, single submitter. Criteria: Invitae Variant Classification Sherloc (09022015). Collection method: clinical testing. Allele origin: germline.
Comment: This sequence change replaces alanine, which is neutral and non-polar, with serine, which is neutral and polar, at codon 953 of the SPTAN1 protein (p.Ala953Ser). This variant is present in population databases (rs796053300, gnomAD 0.0009%). This variant has not been reported in the literature in individuals affected with SPTAN1-related conditions. ClinVar contains an entry for this variant (Variation ID: 207272). Invitae Evidence Modeling of protein sequence and biophysical properties (such as structural, functional, and spatial information, amino acid conservation, physicochemical variation, residue mobility, and thermodynamic stability) has been performed for this missense variant. However, the output from this modeling did not meet the statistical confidence thresholds required to predict the impact of this variant on SPTAN1 protein function. In summary, the available evidence is currently insufficient to determine the role of this variant in disease. Therefore, it has been classified as a Variant of Uncertain Significance.

GeneDx
Classification: Likely benign. Last evaluated: 2017-12-28. Review status: criteria provided, single submitter. Criteria: GeneDx Variant Classification (06012015). Collection method: clinical testing. Allele origin: germline. Affected: yes.
Comment: This variant is considered likely benign or benign based on one or more of the following criteria: it is a conservative change, it occurs at a poorly conserved position in the protein, it is predicted to be benign by multiple in silico algorithms, and/or has population frequency not consistent with disease.

NM_001130438.3(SPTAN1):c.2857G>T (p.Ala953Ser)

Gene: SPTAN1 (spectrin alpha, non-erythrocytic 1; plus strand). Cytogenetic location: 9q34.11.
Variant type: single nucleotide variant.
Coding change: c.2857G>T on transcript NM_001130438.3 (MANE Select); coding-DNA position 2857, G replaced by T.
Protein change: p.Ala953Ser; replaces alanine 953 with serine.
Molecular consequence: missense variant.
Genome position (GRCh38, 1-based): chr9:128,587,684, G>T. VCF-style: chr9-128587684-G-T. GRCh37 (hg19) VCF-style: chr9-131349963-G-T.
Other names: p.A953S:GCA>TCA; c.2857G>T, p.Ala953Ser (NM_001195532.2, NM_001363759.2, NM_001363765.2 and 1 more transcripts); short protein forms A953S.
Identifiers: ClinVar variation 207272 (VCV000207272.3), dbSNP rs796053300, ClinGen allele CA318584.